The following is an entry in ClinVar:

NM_030930.4(UNC93B1):c.1768G>C (p.Gly590Arg)

Gene: UNC93B1 (unc-93B1 regulator of TLR signaling; minus strand). Cytogenetic location: 11q13.2.
Variant type: single nucleotide variant.
Coding change: c.1768G>C on transcript NM_030930.4 (MANE Select); coding-DNA position 1768, G replaced by C.
Protein change: p.Gly590Arg; replaces glycine 590 with arginine.
Molecular consequence: missense variant.
Genome position (GRCh38, 1-based): chr11:67,991,572, C>G on the plus strand (G>C on the coding strand, the complement: UNC93B1 is on the minus strand). VCF-style: chr11-67991572-C-G. GRCh37 (hg19) VCF-style: chr11-67759043-C-G.
Other names: short protein forms G590R.
Identifiers: ClinVar variation 1052109 (VCV001052109.6), dbSNP rs2375182, ClinGen allele CA381566728.

ClinVar aggregate classification (germline): Uncertain significance (1 of 4 stars; one submission).

Conditions:
Encephalopathy, acute, infection-induced (herpes-specific), susceptibility to, 1. Also called: Herpes simplex encephalitis, susceptibility to, 1. Identifiers: Orphanet 1930, MedGen C2750180, MONDO:0024563, OMIM 610551.

gnomAD v4.1: 49 of 1,488,814 alleles (0.0033%); highest among the groups gnomAD compares: East Asian, 0.014%; no homozygotes.

Submission:

Labcorp Genetics (formerly Invitae), Labcorp
Classification: Uncertain significance for Encephalopathy, acute, infection-induced (herpes-specific), susceptibility to, 1. Last evaluated: 2022-07-30. Review status: criteria provided, single submitter. Criteria: Invitae Variant Classification Sherloc (09022015). Collection method: clinical testing. Allele origin: germline.
Comment: This sequence change replaces glycine, which is neutral and non-polar, with arginine, which is basic and polar, at codon 590 of the UNC93B1 protein (p.Gly590Arg). This variant is present in population databases (no rsID available, gnomAD 0.02%). This variant has not been reported in the literature in individuals affected with UNC93B1-related conditions. ClinVar contains an entry for this variant (Variation ID: 1052109). Experimental studies and prediction algorithms are not available or were not evaluated, and the functional significance of this variant is currently unknown. In summary, the available evidence is currently insufficient to determine the role of this variant in disease. Therefore, it has been classified as a Variant of Uncertain Significance.